The following is an entry in ClinVar:

ClinVar aggregate classification (germline): Uncertain significance. Review status: criteria provided, multiple submitters, no conflicts (2 of 4 stars). 3 submissions from 3 submitters: Uncertain significance (3). Last evaluated 2025-06-12.

Conditions:
OTOGL-related disorder. Also called: OTOGL-related condition.

Allele frequency attached by ClinVar (database versions not stated): gnomAD 0.00004.
gnomAD v4.1: 85 of 1,613,088 alleles (0.0053%); highest among the groups gnomAD compares: Non-Finnish European, 0.0062%; no homozygotes.

Submissions (3):

GeneDx
Classification: Uncertain significance. Last evaluated: 2025-06-12. Review status: criteria provided, single submitter. Criteria: GeneDx Variant Classification Process June 2021. Collection method: clinical testing. Allele origin: germline.
Comment: In silico analysis suggests this variant may impact gene splicing. In the absence of RNA/functional studies, the actual effect of this sequence change is unknown.; Has not been previously published as pathogenic or benign to our knowledge

Labcorp Genetics (formerly Invitae), Labcorp
Classification: Uncertain significance. Last evaluated: 2025-03-03. Review status: criteria provided, single submitter. Criteria: Invitae Variant Classification Sherloc (09022015). Collection method: clinical testing. Allele origin: germline.
Comment: This sequence change affects codon 759 of the OTOGL mRNA. It is a 'silent' change, meaning that it does not change the encoded amino acid sequence of the OTOGL protein. This variant is present in population databases (rs760284368, gnomAD 0.02%). This variant has not been reported in the literature in individuals affected with OTOGL-related conditions. ClinVar contains an entry for this variant (Variation ID: 2416028). Algorithms developed to predict the effect of sequence changes on RNA splicing suggest that this variant may disrupt the consensus splice site. In summary, the available evidence is currently insufficient to determine the role of this variant in disease. Therefore, it has been classified as a Variant of Uncertain Significance.

PreventionGenetics, part of Exact Sciences
Classification: Uncertain significance for OTOGL-related condition. Last evaluated: 2024-12-06. Review status: criteria provided, single submitter. Criteria: ACMG Guidelines, 2015. Collection method: clinical testing. Allele origin: germline.
Comment: The OTOGL c.2277G>A variant is not predicted to result in an amino acid change (p.=). his variant is predicted to alter splicing based on available splicing prediction software (SpliceAI, Jaganathan et al. 2019. PubMed ID: 30661751). However, the use of computer prediction softwares is not equivalent to functional evidence. To our knowledge, this variant has not been reported in the literature. This variant is reported in 0.024% of alleles in individuals of European (Finnish) descent in gnomAD. At this time, the clinical significance of this variant is uncertain due to the absence of conclusive functional and genetic evidence.

NM_001378609.3(OTOGL):c.2304G>A (p.Pro768=)

Gene: OTOGL (otogelin like; plus strand). Cytogenetic location: 12q21.31.
Variant type: single nucleotide variant.
Coding change: c.2304G>A on transcript NM_001378609.3 (MANE Select); coding-DNA position 2304, G replaced by A.
Protein change: p.Pro768=; no amino-acid change (proline 768 retained).
Molecular consequence: synonymous variant.
Genome position (GRCh38, 1-based): chr12:80,266,530, G>A. VCF-style: chr12-80266530-G-A. GRCh37 (hg19) VCF-style: chr12-80660310-G-A.
Other names: c.2304G>A, p.Pro768= (NM_001368062.3, NM_001378610.3, NM_173591.7); c.2277G>A (NM_173591.3).
Identifiers: ClinVar variation 2416028 (VCV002416028.10), dbSNP rs760284368, ClinGen allele CA6700734.